The following is an entry in ClinVar:

ClinVar aggregate classification (germline): Uncertain significance (1 of 4 stars; one submission).

Conditions:
Hereditary cancer-predisposing syndrome. Also called: Neoplastic Syndromes, Hereditary; Tumor predisposition; Hereditary Cancer Syndrome; Hereditary neoplastic syndrome. Identifiers: Orphanet 140162, MedGen C0027672, MeSH D009386, MONDO:0015356.

Submission:

Ambry Genetics
Classification: Uncertain significance for Hereditary cancer-predisposing syndrome. Last evaluated: 2022-09-03. Review status: criteria provided, single submitter. Criteria: Ambry Variant Classification Scheme 2023. Collection method: clinical testing. Allele origin: germline.
Comment: The p.Q25E variant (also known as c.73C>G), located in coding exon 2 of the PMS2 gene, results from a C to G substitution at nucleotide position 73. The glutamine at codon 25 is replaced by glutamic acid, an amino acid with highly similar properties. This amino acid position is conserved. In addition, this alteration is predicted to be deleterious by in silico analysis. Since supporting evidence is limited at this time, the clinical significance of this alteration remains unclear.

NM_000535.7(PMS2):c.73C>G (p.Gln25Glu)

Gene: PMS2 (PMS1 homolog 2, mismatch repair system component; minus strand). Cytogenetic location: 7p22.1.
Variant type: single nucleotide variant.
Coding change: c.73C>G on transcript NM_000535.7 (MANE Select); coding-DNA position 73, C replaced by G.
Protein change: p.Gln25Glu; replaces glutamine 25 with glutamic acid.
Molecular consequence: missense variant. On other transcripts: 5 prime UTR variant (8), non-coding transcript variant (1), intron variant (3).
Genome position (GRCh38, 1-based): chr7:6,005,982, G>C on the plus strand (C>G on the coding strand, the complement: PMS2 is on the minus strand). VCF-style: chr7-6005982-G-C. GRCh37 (hg19) VCF-style: chr7-6045613-G-C.
Other names: c.-333C>G (NM_001018040.1, NM_001322003.2, NM_001322005.2 and 11 more transcripts); c.73C>G, p.Gln25Glu (NM_001322006.2, NM_001322014.2, NM_001406868.1 and 10 more transcripts); c.-143C>G (NM_001322007.2, NM_001406876.1, NM_001406883.1 and 4 more transcripts); c.-812C>G (NM_001322011.2, NM_001322012.2); c.-412C>G (NM_001322015.2, NM_001406875.1, NM_001406877.1 and 2 more transcripts); c.259C>G, p.Gln87Glu (NM_001406866.1); c.-359C>G (NM_001406880.1); c.-280C>G (NM_001406888.1, NM_001406889.1, NM_001406892.1 and 5 more transcripts); and 4 more; short protein forms Q25E, Q87E.
Identifiers: ClinVar variation 1758717 (VCV001758717.2), dbSNP rs1554306528, ClinGen allele CA366745115.